The following is an entry in ClinVar:

NM_052867.4(NALCN):c.4581C>T (p.Asp1527=)

Gene: NALCN (sodium leak channel, non-selective; minus strand). Cytogenetic location: 13q32.3.
Variant type: single nucleotide variant.
Coding change: c.4581C>T on transcript NM_052867.4 (MANE Select); coding-DNA position 4581, C replaced by T.
Protein change: p.Asp1527=; no amino-acid change (aspartic acid 1527 retained).
Molecular consequence: synonymous variant.
Genome position (GRCh38, 1-based): chr13:101,065,427, G>A on the plus strand (C>T on the coding strand, the complement: NALCN is on the minus strand). VCF-style: chr13-101065427-G-A. GRCh37 (hg19) VCF-style: chr13-101717779-G-A.
Other names: c.4668C>T, p.Asp1556= (NM_001350748.2); c.4581C>T, p.Asp1527= (NM_001350749.2); c.4494C>T, p.Asp1498= (NM_001350750.2, NM_001350751.2).
Identifiers: ClinVar variation 706505 (VCV000706505.10), dbSNP rs143067409, ClinGen allele CA7035093.

ClinVar aggregate classification (germline): Benign. Review status: criteria provided, single submitter (1 of 4 stars). 2 submissions from 2 submitters: Benign (1). 1 of the submissions does not count toward it. Last evaluated 2024-12-18.

Conditions:
NALCN-related disorder. Also called: NALCN-related condition; NALCN-related disorders.

Allele frequency attached by ClinVar (database versions not stated): TOPMed 0.00005; ESP Exome Variant Server 0.00008; gnomAD 0.00016.
gnomAD v4.1: 262 of 1,614,044 alleles (0.016%); highest among the groups gnomAD compares: South Asian, 0.031%; 2 homozygotes.

Submissions (2):

Labcorp Genetics (formerly Invitae), Labcorp
Classification: Benign. Last evaluated: 2024-12-18. Review status: criteria provided, single submitter. Criteria: Invitae Variant Classification Sherloc (09022015). Collection method: clinical testing. Allele origin: germline.

PreventionGenetics, part of Exact Sciences
Classification: Likely benign for NALCN-related condition. Last evaluated: 2019-03-15. Review status: no assertion criteria provided. Collection method: clinical testing. Allele origin: germline. Not counted in ClinVar's aggregate classification.
Comment: This variant is classified as likely benign based on ACMG/AMP sequence variant interpretation guidelines (Richards et al. 2015 PMID: 25741868, with internal and published modifications).